The following is an entry in ClinVar:

ClinVar aggregate classification (germline): Uncertain significance (1 of 4 stars; one submission).

Conditions:
Short-rib thoracic dysplasia 14 with polydactyly (SRTD14). Identifiers: Orphanet 397715, MedGen C4225286, MONDO:0014688, OMIM 616546.
Joubert syndrome 23 (JBTS23). Identifiers: Orphanet 475, MedGen C4084822, MONDO:0014664, OMIM 616490.

Submission:

Labcorp Genetics (formerly Invitae), Labcorp
Classification: Uncertain significance for Joubert syndrome 23; Short-rib thoracic dysplasia 14 with polydactyly. Last evaluated: 2021-05-12. Review status: criteria provided, single submitter. Criteria: Invitae Variant Classification Sherloc (09022015). Collection method: clinical testing. Allele origin: germline.
Comment: Algorithms developed to predict the effect of missense changes on protein structure and function output the following: SIFT: "Deleterious"; PolyPhen-2: "Benign"; Align-GVGD: "Class C0". The leucine amino acid residue is found in multiple mammalian species, suggesting that this missense change does not adversely affect protein function. These predictions have not been confirmed by published functional studies and their clinical significance is uncertain. This sequence change replaces proline with leucine at codon 1122 of the KIAA0586 protein (p.Pro1122Leu). The proline residue is moderately conserved and there is a moderate physicochemical difference between proline and leucine. This variant is not present in population databases (ExAC no frequency). This variant has not been reported in the literature in individuals with KIAA0586-related conditions. In summary, the available evidence is currently insufficient to determine the role of this variant in disease. Therefore, it has been classified as a Variant of Uncertain Significance.

NM_001329943.3(KIAA0586):c.3206C>T (p.Pro1069Leu)

Gene: KIAA0586 (KIAA0586; plus strand). Cytogenetic location: 14q23.1.
Variant type: single nucleotide variant.
Coding change: c.3206C>T on transcript NM_001329943.3 (MANE Select); coding-DNA position 3206, C replaced by T.
Protein change: p.Pro1069Leu; replaces proline 1069 with leucine.
Molecular consequence: missense variant.
Genome position (GRCh38, 1-based): chr14:58,487,068, C>T. VCF-style: chr14-58487068-C-T. GRCh37 (hg19) VCF-style: chr14-58953786-C-T.
Other names: c.3365C>T, p.Pro1122Leu (NM_001244189.2); c.3161C>T, p.Pro1054Leu (NM_001244190.2); c.2951C>T, p.Pro984Leu (NM_001244191.2, NM_001329945.2, NM_001364700.1 and 1 more transcripts); c.3074C>T, p.Pro1025Leu (NM_001244192.2); c.2786C>T, p.Pro929Leu (NM_001244193.2); c.3206C>T, p.Pro1069Leu (NM_001329944.2, NM_001329946.2, NM_001329947.2); c.2978C>T, p.Pro993Leu (NM_014749.5); short protein forms P1122L, P984L, P1054L, P1025L, P993L, P1069L, P929L.
Identifiers: ClinVar variation 1367614 (VCV001367614.8), dbSNP rs2141182370, ClinGen allele CA389880820.